The following is an entry in ClinVar:

ClinVar aggregate classification (germline): Uncertain significance (1 of 4 stars; one submission).

Conditions:
Wieacker-Wolff syndrome. Also called: Wieacker-Wolff, X-linked recessive; Miles-Carpenter syndrome; APRAXIA, OCULOMOTOR, WITH CONGENITAL CONTRACTURES AND MUSCLE ATROPHY; MENTAL RETARDATION, X-LINKED, SYNDROMIC 4; MENTAL RETARDATION, X-LINKED, WITH CONGENITAL CONTRACTURES AND LOW FINGERTIP ARCHES; Intellectual disability-developmental delay-contractures syndrome. Identifiers: Orphanet 3454, Orphanet 85283, MedGen C0796200, MONDO:0010758, OMIM 314580.

Submission:

3billion
Classification: Uncertain significance for Wieacker-Wolff syndrome. Review status: criteria provided, single submitter. Criteria: ACMG Guidelines, 2015. Collection method: clinical testing. Allele origin: unknown. Affected: yes. Observed: 1 hemizygote.
Comment: The variant is not observed in the gnomAD v2.1.1 dataset. In silico tool predictions suggest damaging effect of the variant on gene or gene product (REVEL: 0.59; 3Cnet: 0.85). Therefore, this variant is classified as Uncertain significance according to the recommendation of ACMG/AMP guideline.

NM_018684.4(ZC4H2):c.142T>A (p.Tyr48Asn)

Gene: ZC4H2 (zinc finger C4H2-type containing; minus strand). Cytogenetic location: Xq11.2.
Variant type: single nucleotide variant.
Coding change: c.142T>A on transcript NM_018684.4 (MANE Select); coding-DNA position 142, T replaced by A.
Protein change: p.Tyr48Asn; replaces tyrosine 48 with asparagine.
Molecular consequence: missense variant. On other transcripts: non-coding transcript variant (1).
Genome position (GRCh38, 1-based): chrX:64,921,900, A>T on the plus strand (T>A on the coding strand, the complement: ZC4H2 is on the minus strand). VCF-style: chrX-64921900-A-T. GRCh37 (hg19) VCF-style: chrX-64141780-A-T.
Other names: c.73T>A, p.Tyr25Asn (NM_001178032.3, NM_001243804.2); c.142T>A, p.Tyr48Asn (NM_001178033.3); short protein forms Y25N, Y48N.
Identifiers: ClinVar variation 2572536 (VCV002572536.1), dbSNP rs2519696396, ClinGen allele CA413412284.